The following is an entry in ClinVar:

NC_000016.9:g.(?_2353950)_(2354171_?)del

Gene: ABCA3 (ATP binding cassette subfamily A member 3; minus strand). Cytogenetic location: 16p13.3.
Variant type: Deletion.
Identifiers: ClinVar variation 3243606 (VCV003243606.1).

ClinVar aggregate classification (germline): Pathogenic (1 of 4 stars; one submission).

Submission:

Labcorp Genetics (formerly Invitae), Labcorp
Classification: Pathogenic. Last evaluated: 2023-03-17. Review status: criteria provided, single submitter. Criteria: Invitae Variant Classification Sherloc (09022015). Collection method: clinical testing. Allele origin: unknown.
Comment: For these reasons, this variant has been classified as Pathogenic. A similar copy number variant has been observed in individual(s) with autosomal recessive pulmonary surfactant metabolism dysfunction (PMID: 24024739). This variant is a gross deletion of the genomic region encompassing exon(s) 12 of the ABCA3 gene. This deletion is out-of-frame, and is expected to create a premature termination codon and result in an absent or disrupted protein product. Loss-of-function variants in ABCA3 are known to be pathogenic (PMID: 27516224).

Literature cited by the submitters: PubMed 24024739; PubMed 27516224.